The following is an entry in ClinVar:

ClinVar aggregate classification (germline): Likely pathogenic (1 of 4 stars; one submission).

Conditions:
Polycystic kidney disease. Also called: Polycystic kidney dysplasia; Kidney, Polycystic. Identifiers: MedGen C0022680, MeSH D007690, MONDO:0020642, HP:0000113.

Allele frequency attached by ClinVar (database versions not stated): gnomAD exomes below 0.00001.

Submission:

Laboratory for Molecular Medicine, Mass General Brigham Personalized Medicine
Classification: Likely pathogenic for Polycystic kidney disease. Last evaluated: 2022-06-30. Review status: criteria provided, single submitter. Criteria: ACMG Guidelines, 2015. Collection method: clinical testing. Allele origin: germline.
Comment: The p.Trp1399X in PKD1 has not been reported in individuals with polycystic kidney disease and was absent from large population studies. This nonsense variant leads to a premature termination codon at position 1399, which is predicted to lead to a truncated or absent protein. Loss of function of the PKD1 gene is an established disease mechanism in autosomal dominant polycystic kidney disease. In summary, although additional studies are required to fully establish its clinical significance, this variant meets criteria to be classified as likely pathogenic for autosomal dominant polycystic kidney disease. ACMG/AMP Criteria applied: PVS1, PM2_P.

NM_001009944.3(PKD1):c.4196G>A (p.Trp1399Ter)

Gene: PKD1 (polycystin 1, transient receptor potential channel interacting; minus strand). Cytogenetic location: 16p13.3.
Variant type: single nucleotide variant.
Coding change: c.4196G>A on transcript NM_001009944.3 (MANE Select); coding-DNA position 4196, G replaced by A.
Protein change: p.Trp1399Ter; replaces tryptophan 1399 with a stop codon.
Molecular consequence: nonsense.
Genome position (GRCh38, 1-based): chr16:2,110,971, C>T on the plus strand (G>A on the coding strand, the complement: PKD1 is on the minus strand). VCF-style: chr16-2110971-C-T. GRCh37 (hg19) VCF-style: chr16-2160972-C-T.
Other names: c.4196G>A, p.Trp1399Ter (NM_000296.4); short protein forms W1399*.
Identifiers: ClinVar variation 3075855 (VCV003075855.1), dbSNP rs2092486975, ClinGen allele CA394381225.